The following is an entry in ClinVar:

NM_006432.5(NPC2):c.190+1G>C

Gene: NPC2 (NPC intracellular cholesterol transporter 2; minus strand). Cytogenetic location: 14q24.3.
Variant type: single nucleotide variant.
Coding change: c.190+1G>C on transcript NM_006432.5 (MANE Select); the canonical splice donor site of the intron after coding-DNA position 190, G replaced by C.
Molecular consequence: splice donor variant.
Genome position (GRCh38, 1-based): chr14:74,486,328, C>G on the plus strand (G>C on the coding strand, the complement: NPC2 is on the minus strand). VCF-style: chr14-74486328-C-G. GRCh37 (hg19) VCF-style: chr14-74953031-C-G.
Other names: c.190+1G>C (NM_001363688.1, NM_001375440.1).
Identifiers: ClinVar variation 2815278 (VCV002815278.3), dbSNP rs2506107051, ClinGen allele CA390532622.
Genomic context (GRCh38, chr14:74,486,328, plus strand): 5'-AACACTTGATATTTAGGTTATGCTGTAACATGAATTTGAGTTAAGAGCCACTTTTACGCA[C>G]TGCTGGTGAAGGTGACATTGACGCTGTAAGACTGTCCTTTGCTCAGCTGGCAGGGTTGGG-3'

ClinVar aggregate classification (germline): Likely pathogenic (1 of 4 stars; one submission).

Conditions:
Niemann-Pick disease, type C2 (NPC2). Identifiers: Orphanet 646, MedGen C1843366, MONDO:0011873, OMIM 607625.

Submission:

Labcorp Genetics (formerly Invitae), Labcorp
Classification: Likely pathogenic for Niemann-Pick disease, type C2. Last evaluated: 2023-06-19. Review status: criteria provided, single submitter. Criteria: Invitae Variant Classification Sherloc (09022015). Collection method: clinical testing. Allele origin: germline.
Comment: Algorithms developed to predict the effect of sequence changes on RNA splicing suggest that this variant may disrupt the consensus splice site. This variant has not been reported in the literature in individuals affected with NPC2-related conditions. This variant is not present in population databases (gnomAD no frequency). This sequence change affects a donor splice site in intron 2 of the NPC2 gene. It is expected to disrupt RNA splicing. Variants that disrupt the donor or acceptor splice site typically lead to a loss of protein function (PMID: 16199547), and loss-of-function variants in NPC2 are known to be pathogenic (PMID: 25145893). In summary, the currently available evidence indicates that the variant is pathogenic, but additional data are needed to prove that conclusively. Therefore, this variant has been classified as Likely Pathogenic.

Literature cited by the submitters: PubMed 16199547; PubMed 25145893.